The following is an entry in ClinVar:

ClinVar aggregate classification (germline): Uncertain significance (1 of 4 stars; one submission).

Conditions:
Cardiomyopathy (CMYO). Also called: Cardiomyopathies. Identifiers: Orphanet 167848, MedGen C0878544, MONDO:0004994, HP:0001638. Inheritance: Various modes of inheritance.

Submission:

Color Diagnostics, LLC DBA Color Health
Classification: Uncertain significance for Cardiomyopathy. Last evaluated: 2023-12-05. Review status: criteria provided, single submitter. Criteria: ACMG Guidelines, 2015. Collection method: clinical testing. Allele origin: germline.
Comment: This missense variant replaces glutamine with arginine at codon 1179 of the DSP protein. Computational prediction tools and conservation analyses are inconclusive regarding the impact of this variant on the protein function. Computational splicing tools suggest that this variant may not impact RNA splicing. To our knowledge, functional assays have not been performed for this variant nor has this variant been reported in individuals affected with cardiovascular disorders in the literature. This variant has not been identified in the general population by the Genome Aggregation Database (gnomAD). Available evidence is insufficient to determine the role of this variant in disease conclusively. Therefore, this variant is classified as a Variant of Uncertain Significance.

NM_004415.4(DSP):c.3536A>G (p.Gln1179Arg)

Gene: DSP (desmoplakin; plus strand). Cytogenetic location: 6p24.3.
Variant type: single nucleotide variant.
Coding change: c.3536A>G on transcript NM_004415.4 (MANE Select); coding-DNA position 3536, A replaced by G.
Protein change: p.Gln1179Arg; replaces glutamine 1179 with arginine.
Molecular consequence: missense variant.
Genome position (GRCh38, 1-based): chr6:7,579,726, A>G. VCF-style: chr6-7579726-A-G. GRCh37 (hg19) VCF-style: chr6-7579959-A-G.
Other names: c.3536A>G, p.Gln1179Arg (NM_001008844.3, NM_001319034.2); short protein forms Q1179R.
Identifiers: ClinVar variation 926590 (VCV000926590.5), dbSNP rs1759357846, ClinGen allele CA362684284.